The following is an entry in ClinVar:

NM_144499.3(GNAT1):c.923T>C (p.Met308Thr)

Gene: GNAT1 (G protein subunit alpha transducin 1; plus strand). Cytogenetic location: 3p21.31.
Variant type: single nucleotide variant.
Coding change: c.923T>C on transcript NM_144499.3 (MANE Select); coding-DNA position 923, T replaced by C.
Protein change: p.Met308Thr; replaces methionine 308 with threonine.
Molecular consequence: missense variant.
Genome position (GRCh38, 1-based): chr3:50,194,825, T>C. VCF-style: chr3-50194825-T-C. GRCh37 (hg19) VCF-style: chr3-50232258-T-C.
Other names: c.923T>C, p.Met308Thr (NM_000172.4); short protein forms M308T.
Identifiers: ClinVar variation 1005630 (VCV001005630.5), dbSNP rs1699478168, ClinGen allele CA352920428.

ClinVar aggregate classification (germline): Uncertain significance (1 of 4 stars; one submission).

Submission:

Labcorp Genetics (formerly Invitae), Labcorp
Classification: Uncertain significance. Last evaluated: 2022-02-01. Review status: criteria provided, single submitter. Criteria: Invitae Variant Classification Sherloc (09022015). Collection method: clinical testing. Allele origin: germline.
Comment: In summary, the available evidence is currently insufficient to determine the role of this variant in disease. Therefore, it has been classified as a Variant of Uncertain Significance. Algorithms developed to predict the effect of missense changes on protein structure and function (SIFT, PolyPhen-2, Align-GVGD) all suggest that this variant is likely to be tolerated. ClinVar contains an entry for this variant (Variation ID: 1005630). This variant has not been reported in the literature in individuals affected with GNAT1-related conditions. This variant is not present in population databases (gnomAD no frequency). This sequence change replaces methionine, which is neutral and non-polar, with threonine, which is neutral and polar, at codon 308 of the GNAT1 protein (p.Met308Thr).